The following is an entry in ClinVar:

NM_000460.4(THPO):c.205T>G (p.Leu69Val)

Gene: THPO (thrombopoietin; minus strand). Cytogenetic location: 3q27.1.
Variant type: single nucleotide variant.
Coding change: c.205T>G on transcript NM_000460.4 (MANE Select); coding-DNA position 205, T replaced by G.
Protein change: p.Leu69Val; replaces leucine 69 with valine.
Molecular consequence: missense variant.
Genome position (GRCh38, 1-based): chr3:184,375,538, A>C on the plus strand (T>G on the coding strand, the complement: THPO is on the minus strand). VCF-style: chr3-184375538-A-C. GRCh37 (hg19) VCF-style: chr3-184093326-A-C.
Other names: c.205T>G, p.Leu69Val (NM_001177597.2, NM_001177598.2, NM_001289997.1 and 5 more transcripts); c.625T>G, p.Leu209Val (NM_001290003.1); short protein forms L209V, L69V.
Identifiers: ClinVar variation 4692343 (VCV004692343.1).

ClinVar aggregate classification (germline): Uncertain significance (1 of 4 stars; one submission).

gnomAD v4.1: 3 of 1,614,174 alleles (0.00019%); highest among the groups gnomAD compares: South Asian, 0.0033%; no homozygotes.

Submission:

Labcorp Genetics (formerly Invitae), Labcorp
Classification: Uncertain significance. Last evaluated: 2025-03-20. Review status: criteria provided, single submitter. Criteria: Invitae Variant Classification Sherloc (09022015). Collection method: clinical testing. Allele origin: germline.
Comment: This sequence change replaces leucine, which is neutral and non-polar, with valine, which is neutral and non-polar, at codon 69 of the THPO protein (p.Leu69Val). This variant is present in population databases (no rsID available, gnomAD 0.003%). This variant has not been reported in the literature in individuals affected with THPO-related conditions. Invitae Evidence Modeling of protein sequence and biophysical properties (such as structural, functional, and spatial information, amino acid conservation, physicochemical variation, residue mobility, and thermodynamic stability) has been performed for this missense variant. However, the output from this modeling did not meet the statistical confidence thresholds required to predict the impact of this variant on THPO protein function. In summary, the available evidence is currently insufficient to determine the role of this variant in disease. Therefore, it has been classified as a Variant of Uncertain Significance.